The following is an entry in ClinVar:

NM_004453.4(ETFDH):c.1444G>A (p.Glu482Lys)

Gene: ETFDH (electron transfer flavoprotein dehydrogenase; plus strand). Cytogenetic location: 4q32.1.
Variant type: single nucleotide variant.
Coding change: c.1444G>A on transcript NM_004453.4 (MANE Select); coding-DNA position 1444, G replaced by A.
Protein change: p.Glu482Lys; replaces glutamic acid 482 with lysine.
Molecular consequence: missense variant.
Genome position (GRCh38, 1-based): chr4:158,706,347, G>A. VCF-style: chr4-158706347-G-A. GRCh37 (hg19) VCF-style: chr4-159627499-G-A.
Other names: c.1303G>A, p.Glu435Lys (NM_001281737.2); c.1261G>A, p.Glu421Lys (NM_001281738.1); short protein forms E482K, E421K, E435K.
Identifiers: ClinVar variation 965638 (VCV000965638.7), dbSNP rs1774615624, ClinGen allele CA358564598.

ClinVar aggregate classification (germline): Uncertain significance (1 of 4 stars; one submission).

Conditions:
Multiple acyl-CoA dehydrogenase deficiency (MADD). Also called: Glutaric aciduria, type 2; ETHYLMALONIC-ADIPICACIDURIA; GA II; Glutaric Acidemia type 2; Glutaric acidemia type II; GA 2. Identifiers: Orphanet 26791, MedGen C0268596, MONDO:0009282, OMIM 231680.

Submission:

Labcorp Genetics (formerly Invitae), Labcorp
Classification: Uncertain significance for Multiple acyl-CoA dehydrogenase deficiency. Last evaluated: 2022-11-03. Review status: criteria provided, single submitter. Criteria: Invitae Variant Classification Sherloc (09022015). Collection method: clinical testing. Allele origin: germline.
Comment: This sequence change replaces glutamic acid, which is acidic and polar, with lysine, which is basic and polar, at codon 482 of the ETFDH protein (p.Glu482Lys). This variant is not present in population databases (gnomAD no frequency). This variant has not been reported in the literature in individuals affected with ETFDH-related conditions. ClinVar contains an entry for this variant (Variation ID: 965638). Advanced modeling of protein sequence and biophysical properties (such as structural, functional, and spatial information, amino acid conservation, physicochemical variation, residue mobility, and thermodynamic stability) performed at Invitae indicates that this missense variant is expected to disrupt ETFDH protein function. In summary, the available evidence is currently insufficient to determine the role of this variant in disease. Therefore, it has been classified as a Variant of Uncertain Significance.